The following is an entry in ClinVar:

NM_005732.4(RAD50):c.3655_3748dup (p.Val1250delinsGlyAsnValLeuProGlnLeuTrpHisHisCysLeuGlyTer)

Genes: TH2LCRR (T helper type 2 locus control region associated RNA; minus strand), RAD50 (RAD50 double strand break repair protein; plus strand), TH2-LCR (Th2 cytokine locus control region; plus strand). Cytogenetic location: 5q31.1.
Variant type: Duplication.
Coding change: c.3655_3748dup on transcript NM_005732.4 (MANE Select); coding-DNA positions 3655 to 3748, 94 bases duplicated.
Protein change: p.Val1250delinsGlyAsnValLeuProGlnLeuTrpHisHisCysLeuGlyTer.
Molecular consequence: nonsense.
Genome position (GRCh38, 1-based): chr5:132,640,708-132,640,801, 94 bases duplicated. GRCh37 (hg19): chr5:131,976,400-131,976,493.
Identifiers: ClinVar variation 2018604 (VCV002018604.4), dbSNP rs2479434846, ClinGen allele CA2580072761.

ClinVar aggregate classification (germline): Likely pathogenic (1 of 4 stars; one submission).

Conditions:
Hereditary cancer-predisposing syndrome. Also called: Hereditary Cancer Syndrome; Neoplastic Syndromes, Hereditary; Hereditary neoplastic syndrome; Tumor predisposition. Identifiers: Orphanet 140162, MedGen C0027672, MeSH D009386, MONDO:0015356.

Submission:

Labcorp Genetics (formerly Invitae), Labcorp
Classification: Likely pathogenic for Hereditary cancer-predisposing syndrome. Last evaluated: 2022-07-21. Review status: criteria provided, single submitter. Criteria: Invitae Variant Classification Sherloc (09022015). Collection method: clinical testing. Allele origin: germline.
Comment: In summary, the currently available evidence indicates that the variant is pathogenic, but additional data are needed to prove that conclusively. Therefore, this variant has been classified as Likely Pathogenic. This variant disrupts the ATPase-C domain, which is important for RAD50 ATPase activity (PMID: 10892749, 24894818). While functional studies have not been performed to directly test the effect of this variant on RAD50 protein function, this suggests that disruption of this region of the protein is causative of disease. This variant has not been reported in the literature in individuals affected with RAD50-related conditions. This variant is not present in population databases (gnomAD no frequency). This sequence change creates a premature translational stop signal (p.Val1250Glyfs*14) in the RAD50 gene. While this is not anticipated to result in nonsense mediated decay, it is expected to disrupt the last 63 amino acid(s) of the RAD50 protein.

Literature cited by the submitters: PubMed 10892749; PubMed 24894818.